The following is an entry in ClinVar:

ClinVar aggregate classification (germline): Conflicting classifications of pathogenicity. Review status: criteria provided, conflicting classifications (1 of 4 stars). 5 submissions from 5 submitters: Uncertain significance (3); Likely benign (1). 1 of the submissions does not count toward it. Last evaluated 2024-06-06.

Conditions:
Hereditary cancer-predisposing syndrome. Also called: Tumor predisposition; Neoplastic Syndromes, Hereditary; Hereditary Cancer Syndrome; Hereditary neoplastic syndrome. Identifiers: Orphanet 140162, MedGen C0027672, MeSH D009386, MONDO:0015356.
Hereditary breast ovarian cancer syndrome. Also called: Hereditary breast and ovarian cancer syndrome (HBOC); Hereditary breast and ovarian cancer syndrome; Hereditary breast and ovarian cancer; Hereditary breast and/or ovarian cancer syndrome; Breast and ovarian cancer; BRCA1- and BRCA2-Associated Hereditary Breast and Ovarian Cancer. Identifiers: Orphanet 145, MedGen C0677776, MeSH D061325, MONDO:0003582. Disease mechanism: loss of function.
Breast-ovarian cancer, familial, susceptibility to, 1 (BROVCA1). Also called: OVARIAN CANCER, SUSCEPTIBILITY TO; BRCA1 Hereditary Breast and Ovarian Cancer. Identifiers: Orphanet 145, MedGen C2676676, MONDO:0011450, OMIM 604370. Disease mechanism: loss of function.

Allele frequency attached by ClinVar (database versions not stated): gnomAD exomes below 0.00001.
gnomAD v4.1: 1 of 1,614,050 alleles (0.000062%); highest among the groups gnomAD compares: African/African-American, 0.0013%; no homozygotes.

Submissions (5):

Labcorp Genetics (formerly Invitae), Labcorp
Classification: Uncertain significance for Hereditary breast ovarian cancer syndrome. Last evaluated: 2024-06-06. Review status: criteria provided, single submitter. Criteria: Invitae Variant Classification Sherloc (09022015). Collection method: clinical testing. Allele origin: germline.
Comment: This sequence change replaces asparagine, which is neutral and polar, with aspartic acid, which is acidic and polar, at codon 1016 of the BRCA1 protein (p.Asn1016Asp). This variant is not present in population databases (gnomAD no frequency). This missense change has been observed in individual(s) with clinical features of BRCA1-related conditions (PMID: 21520333). ClinVar contains an entry for this variant (Variation ID: 54762). Advanced modeling of protein sequence and biophysical properties (such as structural, functional, and spatial information, amino acid conservation, physicochemical variation, residue mobility, and thermodynamic stability) performed at Invitae indicates that this missense variant is not expected to disrupt BRCA1 protein function with a negative predictive value of 95%. In summary, the available evidence is currently insufficient to determine the role of this variant in disease. Therefore, it has been classified as a Variant of Uncertain Significance.

University of Washington Department of Laboratory Medicine, University of Washington
Classification: Likely benign for Hereditary cancer-predisposing syndrome. Last evaluated: 2023-03-23. Review status: criteria provided, single submitter. Criteria: Dines et al. (Genet Med. 2020). Collection method: curation. Allele origin: germline.
Comment: Missense variant in a coldspot region where missense variants are very unlikely to be pathogenic (PMID:31911673).

BRCA1 coldspot (exon 11 using historical exon numbering). Reclassification based on statistical prior probability

Ambry Genetics
Classification: Uncertain significance for Hereditary cancer-predisposing syndrome. Last evaluated: 2022-12-09. Review status: criteria provided, single submitter. Criteria: Ambry Variant Classification Scheme 2023. Collection method: clinical testing. Allele origin: germline.
Comment: The p.N1016D variant (also known as c.3046A>G), located in coding exon 9 of the BRCA1 gene, results from an A to G substitution at nucleotide position 3046. The asparagine at codon 1016 is replaced by aspartic acid, an amino acid with highly similar properties. This amino acid position is not well conserved in available vertebrate species. In addition, the in silico prediction for this alteration is inconclusive. Since supporting evidence is limited at this time, the clinical significance of this alteration remains unclear.

Color Diagnostics, LLC DBA Color Health
Classification: Uncertain significance for Hereditary cancer-predisposing syndrome. Last evaluated: 2019-07-29. Review status: criteria provided, single submitter. Criteria: ACMG Guidelines, 2015. Collection method: clinical testing. Allele origin: germline.
Comment: This missense variant replaces asparagine with aspartic acid at codon 1016 of the BRCA1 protein. Computational prediction tools and conservation analyses are inconclusive regarding the impact of this variant on the protein function. Computational splicing tools suggest that this variant may not impact RNA splicing. To our knowledge, functional assays have not been performed for this variant nor has this variant been reported in individuals affected with hereditary cancer in the literature. This variant has not been identified in the general population by the Genome Aggregation Database (gnomAD). Available evidence is insufficient to determine the role of this variant in disease conclusively. Therefore, this variant is classified as a Variant of Uncertain Significance.

Breast Cancer Information Core (BIC) (BRCA1)
Classification: Uncertain significance for Breast-ovarian cancer, familial 1. Last evaluated: 1997-02-15. Review status: no assertion criteria provided. Collection method: clinical testing. Allele origin: germline. Affected: yes. Observed: 1 variant allele. Not counted in ClinVar's aggregate classification.

Literature cited by the submitters: PubMed 21520333 (cited by Labcorp Genetics (formerly Invitae), Labcorp).

NM_007294.4(BRCA1):c.3046A>G (p.Asn1016Asp)

Gene: BRCA1 (BRCA1 DNA repair associated; minus strand). Cytogenetic location: 17q21.31.
Variant type: single nucleotide variant.
Coding change: c.3046A>G on transcript NM_007294.4 (MANE Select); coding-DNA position 3046, A replaced by G.
Protein change: p.Asn1016Asp; replaces asparagine 1016 with aspartic acid.
Molecular consequence: missense variant. On other transcripts: intron variant (137).
Genome position (GRCh38, 1-based): chr17:43,092,485, T>C on the plus strand (A>G on the coding strand, the complement: BRCA1 is on the minus strand). VCF-style: chr17-43092485-T-C. GRCh37 (hg19) VCF-style: chr17-41244502-T-C.
Other names: c.2905A>G, p.Asn969Asp (NM_007297.4, NM_001407692.1, NM_001407694.1 and 29 more transcripts); c.3046A>G, p.Asn1016Asp (NM_007300.4, NM_001407581.1, NM_001407582.1 and 30 more transcripts); c.647-1453A>G (NM_001408458.1, NM_001408469.1, NM_001408453.1 and 11 more transcripts); c.284-1453A>G (NM_001408512.1); c.407-1453A>G (NM_001408510.1); c.644-1453A>G (NM_001408470.1, NM_001408464.1, NM_001408468.1 and 3 more transcripts); c.785-1453A>G (NM_001408397.1, NM_001408401.1, NM_001408396.1 and 13 more transcripts); c.665-1453A>G (NM_001408436.1, NM_001408444.1, NM_001408438.1 and 12 more transcripts); and 41 more; short protein forms N1016D, N969D, N904D, N945D, N948D, N975D, N720D, N968D.
Identifiers: ClinVar variation 54762 (VCV000054762.22), dbSNP rs80357154, ClinGen allele CA002002.